The following is an entry in ClinVar:

NM_016507.4(CDK12):c.1697T>G (p.Leu566Arg)

Gene: CDK12 (cyclin dependent kinase 12; plus strand). Cytogenetic location: 17q12.
Variant type: single nucleotide variant.
Coding change: c.1697T>G on transcript NM_016507.4 (MANE Select); coding-DNA position 1697, T replaced by G.
Protein change: p.Leu566Arg; replaces leucine 566 with arginine.
Molecular consequence: missense variant.
Genome position (GRCh38, 1-based): chr17:39,471,529, T>G. VCF-style: chr17-39471529-T-G. GRCh37 (hg19) VCF-style: chr17-37627782-T-G.
Other names: c.1697T>G, p.Leu566Arg (NM_015083.4); short protein forms L566R.
Identifiers: ClinVar variation 3830346 (VCV003830346.1).

ClinVar aggregate classification (germline): Uncertain significance (1 of 4 stars; one submission).

gnomAD v4.1: 2 of 1,602,100 alleles (0.00012%); highest among the groups gnomAD compares: Middle Eastern, 0.033%; no homozygotes.

Submission:

Ambry Genetics
Classification: Uncertain significance. Last evaluated: 2024-12-15. Review status: criteria provided, single submitter. Criteria: Ambry Variant Classification Scheme 2023. Collection method: clinical testing. Allele origin: germline.
Comment: The p.L566R variant (also known as c.1697T>G), located in coding exon 2 of the CDK12 gene, results from a T to G substitution at nucleotide position 1697. The leucine at codon 566 is replaced by arginine, an amino acid with dissimilar properties. This amino acid position is conserved. In addition, this alteration is predicted to be tolerated by in silico analysis. Based on the available evidence, the clinical significance of this variant remains unclear.